The following is an entry in ClinVar:

ClinVar aggregate classification (germline): Pathogenic. Review status: criteria provided, multiple submitters, no conflicts (2 of 4 stars). 4 submissions from 4 submitters: Pathogenic (4). Last evaluated 2026-04-29.

Conditions:
Sotos syndrome (SOTOS). Also called: Distinctive facial appearance, overgrowth in childhood, and learning disabilities or delayed development; CEREBRAL GIGANTISM; Sotos' syndrome; CHROMOSOME 5q35 DELETION SYNDROME; SOTOS SYNDROME 1. Identifiers: Orphanet 821, MedGen C0175695, MONDO:0019349, OMIM 117550.

Submissions (4):

Department of Precision Medicine, Korea National Institute of Health
Classification: Pathogenic for Sotos syndrome. Last evaluated: 2026-04-29. Review status: criteria provided, single submitter. Criteria: ACMG Guidelines, 2015. Collection method: research. Allele origin: de novo. Affected: yes. Observed: 1 variant allele.
Comment: PP5 (ClinVar classifies this variant as Pathogenic, LOVD classifies this variant as Pathogenic), PM1 (UniProt protein NSD1_HUMAN domain 'SET' has 94 missense/in-frame variants, Hot-spot of length 17 amino-acids has 8 missense/in-frame variants (5 pathogenic variants, 2 uncertain variants, and 1 benign variant)), PP3 (MetaRNN = 0.985), PM2 (Variant not found in gnomAD)

Labcorp Genetics (formerly Invitae), Labcorp
Classification: Pathogenic. Last evaluated: 2022-08-31. Review status: criteria provided, single submitter. Criteria: Invitae Variant Classification Sherloc (09022015). Collection method: clinical testing. Allele origin: germline.
Comment: This sequence change replaces isoleucine, which is neutral and non-polar, with threonine, which is neutral and polar, at codon 1962 of the NSD1 protein (p.Ile1962Thr). For these reasons, this variant has been classified as Pathogenic. Advanced modeling of protein sequence and biophysical properties (such as structural, functional, and spatial information, amino acid conservation, physicochemical variation, residue mobility, and thermodynamic stability) performed at Invitae indicates that this missense variant is expected to disrupt NSD1 protein function. ClinVar contains an entry for this variant (Variation ID: 159383). This missense change has been observed in individual(s) with clinical features of Sotos syndrome (PMID: 15452385, 16247291, 28475857). In at least one individual the variant was observed to be de novo. This variant is not present in population databases (gnomAD no frequency).

Genome-Nilou Lab
Classification: Pathogenic for Sotos syndrome. Last evaluated: 2021-07-15. Review status: criteria provided, single submitter. Criteria: ACMG Guidelines, 2015. Collection method: clinical testing. Allele origin: germline. Affected: no.

Genetic Services Laboratory, University of Chicago
Classification: Pathogenic for Sotos syndrome 1. Last evaluated: 2013-02-08. Review status: criteria provided, single submitter. Criteria: ACMG Guidelines, 2007. Collection method: clinical testing. Allele origin: germline. Inheritance: Autosomal dominant inheritance. Affected: yes.

Literature cited by the submitters: PubMed 15452385 (cited by Labcorp Genetics (formerly Invitae), Labcorp); PubMed 16247291 (cited by Labcorp Genetics (formerly Invitae), Labcorp); PubMed 28475857 (cited by Labcorp Genetics (formerly Invitae), Labcorp).

NM_022455.5(NSD1):c.5885T>C (p.Ile1962Thr)

Gene: NSD1 (nuclear receptor binding SET domain protein 1; plus strand). Cytogenetic location: 5q35.3.
Variant type: single nucleotide variant.
Coding change: c.5885T>C on transcript NM_022455.5 (MANE Select); coding-DNA position 5885, T replaced by C.
Protein change: p.Ile1962Thr; replaces isoleucine 1962 with threonine.
Molecular consequence: missense variant.
Genome position (GRCh38, 1-based): chr5:177,280,827, T>C. VCF-style: chr5-177280827-T-C. GRCh37 (hg19) VCF-style: chr5-176707828-T-C.
Other names: c.5012T>C, p.Ile1671Thr (NM_001365684.2, NM_001409308.1, NM_001409309.1 and 1 more transcripts); c.5885T>C, p.Ile1962Thr (NM_001409301.1, NM_001409302.1, NM_001409303.1); c.5465T>C, p.Ile1822Thr (NM_001409304.1); c.5132T>C, p.Ile1711Thr (NM_001409305.1); c.5123T>C, p.Ile1708Thr (NM_001409306.1, NM_001409307.1); short protein forms I1962T, I1693T, I1711T, I1822T, I1708T, I1671T.
Identifiers: ClinVar variation 159383 (VCV000159383.16), dbSNP rs587784162, ClinGen allele CA294995.
Genomic context (GRCh38, chr5:177,280,827, plus strand): 5'-CAGAGGTTGAAATTTTCCGCACATTACAGCGGGGTTGGGGTCTACGGACAAAAACAGATA[T>C]TAAAAAGGTTAGAAAAAGCTAAATTACCATATACTTTCTCCTCTTTGCAGTTGCTTGATA-3'
Protein context (NP_071900.2, residues 1952-1972): RGWGLRTKTD[Ile1962Thr]KKGEFVNEYV